The following is an entry in ClinVar:

ClinVar aggregate classification (germline): Uncertain significance (1 of 4 stars; one submission).

Allele frequency attached by ClinVar (database versions not stated): gnomAD exomes below 0.00001.
gnomAD v4.1: 5 of 1,613,460 alleles (0.00031%); highest among the groups gnomAD compares: Non-Finnish European, 0.00042%; no homozygotes.

Submission:

Labcorp Genetics (formerly Invitae), Labcorp
Classification: Uncertain significance. Last evaluated: 2021-05-18. Review status: criteria provided, single submitter. Criteria: Invitae Variant Classification Sherloc (09022015). Collection method: clinical testing. Allele origin: germline.
Comment: In summary, the available evidence is currently insufficient to determine the role of this variant in disease. Therefore, it has been classified as a Variant of Uncertain Significance. Algorithms developed to predict the effect of missense changes on protein structure and function (SIFT, PolyPhen-2, Align-GVGD) all suggest that this variant is likely to be disruptive, but these predictions have not been confirmed by published functional studies and their clinical significance is uncertain. This variant has not been reported in the literature in individuals with SETBP1-related conditions. This variant is not present in population databases (ExAC no frequency). This sequence change replaces valine with alanine at codon 657 of the SETBP1 protein (p.Val657Ala). The valine residue is highly conserved and there is a small physicochemical difference between valine and alanine.

NM_015559.3(SETBP1):c.1970T>C (p.Val657Ala)

Gene: SETBP1 (SET binding protein 1; plus strand). Cytogenetic location: 18q12.3.
Variant type: single nucleotide variant.
Coding change: c.1970T>C on transcript NM_015559.3 (MANE Select); coding-DNA position 1970, T replaced by C.
Protein change: p.Val657Ala; replaces valine 657 with alanine.
Molecular consequence: missense variant.
Genome position (GRCh38, 1-based): chr18:44,951,310, T>C. VCF-style: chr18-44951310-T-C. GRCh37 (hg19) VCF-style: chr18-42531275-T-C.
Other names: c.1970T>C, p.Val657Ala (NM_001379141.1, NM_001379142.1); short protein forms V657A.
Identifiers: ClinVar variation 1520728 (VCV001520728.8), dbSNP rs2145102057, ClinGen allele CA402320090.
Genomic context (GRCh38, chr18:44,951,310, plus strand): 5'-CGGGAGAGGACAAACCCATGAGCGAGATGAAATTTCACAAGAAAGTTGGAAAGCTCGGCG[T>C]GTTGGATAAGAAGACCATCAAAACTATCAATAAGATGAAGACACTCAAGAGGAAAAACAT-3'
Protein context (NP_056374.2, residues 647-667): KFHKKVGKLG[Val657Ala]LDKKTIKTIN